The following is an entry in ClinVar:

ClinVar aggregate classification (germline): Benign/Likely benign. Review status: criteria provided, multiple submitters, no conflicts (2 of 4 stars). 5 submissions from 4 submitters: Benign (1); Likely benign (4). Last evaluated 2025-12-11.

Conditions:
Cerebral cavernous malformation (CCM). Also called: CAVERNOUS ANGIOMA, FAMILIAL; CAVERNOUS ANGIOMATOUS MALFORMATIONS; CEREBRAL CAPILLARY MALFORMATIONS; Cerebral cavernous hemangioma (type); Cerebral cavernous malformations; Cavernous Hemangioma of Brain. Identifiers: Orphanet 221061, MedGen C2919945, MONDO:0000820, OMIM 116860, HP:0033522.
Angiokeratoma corporis diffusum with arteriovenous fistulas. Identifiers: MedGen C1838141, MONDO:0010885, OMIM 600419.

Allele frequency attached by ClinVar (database versions not stated): ExAC 0.00035; ESP Exome Variant Server 0.00038; 1000 Genomes Project 0.00040; gnomAD exomes 0.00040 and 0.00057; TOPMed 0.00040; gnomAD 0.00043; 1000 Genomes Project 30x 0.00047.
gnomAD v4.1: 893 of 1,608,086 alleles (0.056%); highest among the groups gnomAD compares: Admixed American, 0.087%; no homozygotes.

Submissions (5):

Labcorp Genetics (formerly Invitae), Labcorp
Classification: Likely benign for Cerebral cavernous malformation. Last evaluated: 2025-12-11. Review status: criteria provided, single submitter. Criteria: Invitae Variant Classification Sherloc (09022015). Collection method: clinical testing. Allele origin: germline.

Blueprint Genetics
Classification: Likely benign. Last evaluated: 2024-11-05. Review status: criteria provided, single submitter. Criteria: ACMG Guidelines, 2015. Collection method: clinical testing. Allele origin: germline.

GeneDx
Classification: Likely benign. Last evaluated: 2018-02-13. Review status: criteria provided, single submitter. Criteria: GeneDx Variant Classification (06012015). Collection method: clinical testing. Allele origin: germline. Affected: yes.
Comment: This variant is considered likely benign or benign based on one or more of the following criteria: it is a conservative change, it occurs at a poorly conserved position in the protein, it is predicted to be benign by multiple in silico algorithms, and/or has population frequency not consistent with disease.

Illumina Laboratory Services, Illumina
Classification: Benign for Angiokeratoma corporis diffusum with arteriovenous fistulas. Last evaluated: 2018-01-12. Review status: criteria provided, single submitter. Criteria: ICSL Variant Classification Criteria 13 December 2019. Collection method: clinical testing. Allele origin: germline.
Comment: This variant was observed in the ICSL laboratory as part of a predisposition screen in an ostensibly healthy population. It had not been previously curated by ICSL or reported in the Human Gene Mutation Database (HGMD: prior to June 1st, 2018), and was therefore a candidate for classification through an automated scoring system. Utilizing variant allele frequency, disease prevalence and penetrance estimates, and inheritance mode, an automated score was calculated to assess if this variant is too frequent to cause the disease. Based on the score and internal cut-off values, a variant classified as benign is not then subjected to further curation. The score for this variant resulted in a classification of benign for this disease.

Illumina Laboratory Services, Illumina
Classification: Likely benign for Cerebral cavernous malformation. Last evaluated: 2018-01-12. Review status: criteria provided, single submitter. Criteria: ICSL Variant Classification Criteria 13 December 2019. Collection method: clinical testing. Allele origin: germline.
Comment: This variant was observed in the ICSL laboratory as part of a predisposition screen in an ostensibly healthy population. It had not been previously curated by ICSL or reported in the Human Gene Mutation Database (HGMD: prior to June 1st, 2018), and was therefore a candidate for classification through an automated scoring system. Utilizing variant allele frequency, disease prevalence and penetrance estimates, and inheritance mode, an automated score was calculated to assess if this variant is too frequent to cause the disease. Based on the score and internal cut-off values, a variant classified as likely benign is not then subjected to further curation. The score for this variant resulted in a classification of likely benign for this disease.

NM_194454.3(KRIT1):c.1412-9G>A

Gene: KRIT1 (KRIT1 ankyrin repeat containing; minus strand). Cytogenetic location: 7q21.2.
Variant type: single nucleotide variant.
Coding change: c.1412-9G>A on transcript NM_194454.3 (MANE Select); 9 bases into the intron before coding-DNA position 1412, G replaced by A.
Molecular consequence: intron variant.
Genome position (GRCh38, 1-based): chr7:92,222,062, C>T on the plus strand (G>A on the coding strand, the complement: KRIT1 is on the minus strand). VCF-style: chr7-92222062-C-T. GRCh37 (hg19) VCF-style: chr7-91851376-C-T.
Other names: c.1412-9G>A (NM_001350672.1, NM_001350676.1, NM_001350673.1 and 26 more transcripts); c.1268-9G>A (NM_001350669.1, NM_001013406.2, NM_001350670.1); c.698-9G>A (NM_001350671.1).
Identifiers: ClinVar variation 360883 (VCV000360883.15), dbSNP rs199932606, ClinGen allele CA4339108.